The following is an entry in ClinVar:

NM_170601.5(SIAE):c.884C>T (p.Ala295Val)

Gene: SIAE (sialic acid acetylesterase; minus strand). Cytogenetic location: 11q24.2.
Variant type: single nucleotide variant.
Coding change: c.884C>T on transcript NM_170601.5 (MANE Select); coding-DNA position 884, C replaced by T.
Protein change: p.Ala295Val; replaces alanine 295 with valine.
Molecular consequence: missense variant.
Genome position (GRCh38, 1-based): chr11:124,647,447, G>A on the plus strand (C>T on the coding strand, the complement: SIAE is on the minus strand). VCF-style: chr11-124647447-G-A. GRCh37 (hg19) VCF-style: chr11-124517343-G-A.
Other names: c.779C>T, p.Ala260Val (NM_001199922.2); short protein forms A295V, A260V.
Identifiers: ClinVar variation 2768185 (VCV002768185.3), dbSNP rs2496900145, ClinGen allele CA383148788.
Genomic context (GRCh38, chr11:124,647,447, plus strand): 5'-AAACGCTCCGTCTGCCCCTGGGAACCACGGTGGAAGGTTTCACGCCAGTCTTCGATGAGT[G>A]CAGGGAATGTGCAATTGTACAGATCCGTGTTATAATTTATATTGGACTCCCCTAAAAACA-3'
Protein context (NP_733746.1, residues 285-305): NTDLYNCTFP[Ala295Val]LIEDWRETFH

ClinVar aggregate classification (germline): Uncertain significance (1 of 4 stars; one submission).

Allele frequency attached by ClinVar (database versions not stated): gnomAD exomes below 0.00001.

Submission:

Labcorp Genetics (formerly Invitae), Labcorp
Classification: Uncertain significance. Last evaluated: 2023-10-14. Review status: criteria provided, single submitter. Criteria: Invitae Variant Classification Sherloc (09022015). Collection method: clinical testing. Allele origin: germline.
Comment: This sequence change replaces alanine, which is neutral and non-polar, with valine, which is neutral and non-polar, at codon 295 of the SIAE protein (p.Ala295Val). This variant is not present in population databases (gnomAD no frequency). This variant has not been reported in the literature in individuals affected with SIAE-related conditions. An algorithm developed to predict the effect of missense changes on protein structure and function (PolyPhen-2) suggests that this variant is likely to be disruptive. In summary, the available evidence is currently insufficient to determine the role of this variant in disease. Therefore, it has been classified as a Variant of Uncertain Significance.